The following is an entry in ClinVar:

ClinVar aggregate classification (germline): Pathogenic/Likely pathogenic. Review status: criteria provided, multiple submitters, no conflicts (2 of 4 stars). 2 submissions from 2 submitters: Pathogenic (1); Likely pathogenic (1). Last evaluated 2025-05-07.

Conditions:
Senior-Loken syndrome 9 (SLSN9). Identifiers: Orphanet 3156, MedGen C4225263, MONDO:0014712, OMIM 616629.

Allele frequency attached by ClinVar (database versions not stated): gnomAD exomes 0.00001; TOPMed 0.00003; gnomAD 0.00001; ExAC 0.00001.
gnomAD v4.1: 11 of 1,612,536 alleles (0.00068%); highest among the groups gnomAD compares: East Asian, 0.0022%; no homozygotes.

Submissions (2):

Variantyx, Inc.
Classification: Likely pathogenic for Senior-Loken syndrome 9. Last evaluated: 2025-05-07. Review status: criteria provided, single submitter. Criteria: Variantyx Assertion Criteria 2022. Collection method: clinical testing. Allele origin: germline. Inheritance: Autosomal recessive inheritance. Affected: no.
Comment: This is a nonsense variant in the IFT54 (TRAF3IP1) gene (OMIM: 607380). Pathogenic variants in this gene have been associated with autosomal recessive Senior-Loken syndrome 9. This variant introduces a premature termination codon in exon 16 out of 17and is expected to result in loss of function, which is a known disease mechanism for the gene in this disorder (PMID:26487268) (PVS1). This variant has a 0.0022% maximum allele frequency in non-founder control populations (PM2). It has not been reported in individuals with TRAF3IP1-related disorders in the databases available for review. Based on the current evidence, this variant is classified as likely pathogenic for autosomal recessive Senior-Loken syndrome 9.

Labcorp Genetics (formerly Invitae), Labcorp
Classification: Pathogenic. Last evaluated: 2025-04-02. Review status: criteria provided, single submitter. Criteria: Invitae Variant Classification Sherloc (09022015). Collection method: clinical testing. Allele origin: germline.
Comment: This sequence change creates a premature translational stop signal (p.Arg565*) in the TRAF3IP1 gene. It is expected to result in an absent or disrupted protein product. Loss-of-function variants in TRAF3IP1 are known to be pathogenic (PMID: 21945076, 26487268, 29068549). This variant is present in population databases (rs760692076, gnomAD 0.01%). This variant has not been reported in the literature in individuals affected with TRAF3IP1-related conditions. ClinVar contains an entry for this variant (Variation ID: 1025887). For these reasons, this variant has been classified as Pathogenic.

Literature cited by the submitters: PubMed 26487268 (cited by Variantyx, Inc. and Labcorp Genetics (formerly Invitae), Labcorp); PubMed 21945076 (cited by Labcorp Genetics (formerly Invitae), Labcorp); PubMed 29068549 (cited by Labcorp Genetics (formerly Invitae), Labcorp).

NM_015650.4(IFT54):c.1693C>T (p.Arg565Ter)

Gene: IFT54 (intraflagellar transport 54; plus strand). Cytogenetic location: 2q37.3.
Variant type: single nucleotide variant.
Coding change: c.1693C>T on transcript NM_015650.4 (MANE Select); coding-DNA position 1693, C replaced by T.
Protein change: p.Arg565Ter; replaces arginine 565 with a stop codon.
Molecular consequence: nonsense.
Genome position (GRCh38, 1-based): chr2:238,397,462, C>T. VCF-style: chr2-238397462-C-T. GRCh37 (hg19) VCF-style: chr2-239306103-C-T.
Other names: c.1495C>T, p.Arg499Ter (NM_001139490.1); short protein forms R499*, R565*.
Identifiers: ClinVar variation 1025887 (VCV001025887.7), dbSNP rs760692076, ClinGen allele CA2198551.
Genomic context (GRCh38, chr2:238,397,462, plus strand): 5'-TGTTCTGCCTTTGGACTGAGGAGGCGTGTTCCTCTTCCTATGTCTCCCTGACTGTAGGAG[C>T]GATCTCTCTTTGAGTCGGCATGGAAGAAGGAGAAGGACATCGTTTCCAAGGAGATAGAGA-3'